The following is an entry in ClinVar:

NM_000138.5(FBN1):c.5066-1G>A

Gene: FBN1 (fibrillin 1; minus strand). Cytogenetic location: 15q21.1.
Variant type: single nucleotide variant.
Coding change: c.5066-1G>A on transcript NM_000138.5 (MANE Select); the canonical splice acceptor site of the intron before coding-DNA position 5066, G replaced by A.
Molecular consequence: splice acceptor variant.
Genome position (GRCh38, 1-based): chr15:48,463,241, C>T on the plus strand (G>A on the coding strand, the complement: FBN1 is on the minus strand). VCF-style: chr15-48463241-C-T. GRCh37 (hg19) VCF-style: chr15-48755438-C-T.
Other names: c.5066-1G>A (NM_001406716.1).
Identifiers: ClinVar variation 625123 (VCV000625123.8), dbSNP rs397515819, ClinGen allele CA392349395.

ClinVar aggregate classification (germline): Pathogenic. Review status: criteria provided, multiple submitters, no conflicts (2 of 4 stars). 2 submissions from 2 submitters: Pathogenic (2). Last evaluated 2018-11-20.

Conditions:
Familial thoracic aortic aneurysm and aortic dissection (TAAD). Also called: Thoracic aortic aneurysms and dissections. Identifiers: Orphanet 91387, MedGen C4707243, MONDO:0019625.
Marfan syndrome (MFS). Also called: FBN1-Related Marfan Syndrome; Marfan syndrome type 1; Marfan's syndrome; Marfan syndrome, classic; MARFAN SYNDROME, TYPE I. Identifiers: Orphanet 284963, Orphanet 558, MedGen C0024796, MONDO:0007947, OMIM 154700.

Submissions (2):

Institute of Human Genetics, University Medical Center Hamburg-Eppendorf
Classification: Pathogenic for Marfan syndrome. Last evaluated: 2018-11-20. Review status: criteria provided, single submitter. Criteria: ACMG Guidelines, 2015. Collection method: clinical testing. Allele origin: unknown. Inheritance: Autosomal dominant inheritance. Affected: yes.

Labcorp Genetics (formerly Invitae), Labcorp
Classification: Pathogenic for Marfan syndrome; Familial thoracic aortic aneurysm and aortic dissection. Last evaluated: 2018-10-04. Review status: criteria provided, single submitter. Criteria: Invitae Variant Classification Sherloc (09022015). Collection method: clinical testing. Allele origin: germline.
Comment: Disruption of this splice site has been observed in several individuals affected with Marfan syndrome (PMID: 27906200, 24793577). This variant is not present in population databases (ExAC no frequency). This sequence change affects an acceptor splice site in intron 41 of the FBN1 gene. It is expected to disrupt RNA splicing and likely results in an absent or disrupted protein product. Algorithms developed to predict the effect of sequence changes on RNA splicing suggest that this variant may disrupt the consensus splice site, but this prediction has not been confirmed by published transcriptional studies. For these reasons, this variant has been classified as Pathogenic. Donor and acceptor splice site variants typically lead to a loss of protein function (PMID: 16199547), and loss-of-function variants in FBN1 are known to be pathogenic (PMID: 17657824, 19293843).

Literature cited by the submitters: PubMed 30675029 (cited by Institute of Human Genetics, University Medical Center Hamburg-Eppendorf); PubMed 27906200 (cited by Labcorp Genetics (formerly Invitae), Labcorp); PubMed 24793577 (cited by Labcorp Genetics (formerly Invitae), Labcorp); PubMed 16199547 (cited by Labcorp Genetics (formerly Invitae), Labcorp); PubMed 17657824 (cited by Labcorp Genetics (formerly Invitae), Labcorp); PubMed 19293843 (cited by Labcorp Genetics (formerly Invitae), Labcorp).